The following is an entry in ClinVar:

ClinVar aggregate classification (germline): Uncertain significance (1 of 4 stars; one submission).

Conditions:
Familial isolated arrhythmogenic right ventricular dysplasia. Identifiers: Orphanet 217656, MedGen C4274968, MONDO:0016342.

Submission:

All of Us Research Program, National Institutes of Health
Classification: Uncertain significance for Familial isolated arrhythmogenic right ventricular dysplasia. Last evaluated: 2023-12-13. Review status: criteria provided, single submitter. Criteria: ACMG Guidelines, 2015. Collection method: clinical testing. Allele origin: germline. Inheritance: Autosomal dominant inheritance. Observed: 1 variant allele, 1 heterozygote.
Comment: This missense variant replaces methionine with arginine at codon 589 of the DSC2 protein. Computational prediction suggests that this variant may not impact protein structure and function (internally defined REVEL score threshold <= 0.5, PMID: 27666373). To our knowledge, functional studies have not been reported for this variant. This variant has not been reported in individuals affected with cardiovascular disorders in the literature. This variant has not been identified in the general population by the Genome Aggregation Database (gnomAD). The available evidence is insufficient to determine the role of this variant in disease conclusively. Therefore, this variant is classified as a Variant of Uncertain Significance.

This study involves interpretation of variants in research participants for the purpose of population health screening. Participant phenotype was not available at the time of variant classification. Additional details can be found in publication PMID: 35346344, PMCID: PMC8962531

NM_024422.6(DSC2):c.1766T>G (p.Met589Arg)

Gene: DSC2 (desmocollin 2; minus strand). Cytogenetic location: 18q12.1.
Variant type: single nucleotide variant.
Coding change: c.1766T>G on transcript NM_024422.6 (MANE Select); coding-DNA position 1766, T replaced by G.
Protein change: p.Met589Arg; replaces methionine 589 with arginine.
Molecular consequence: missense variant.
Genome position (GRCh38, 1-based): chr18:31,074,805, A>C on the plus strand (T>G on the coding strand, the complement: DSC2 is on the minus strand). VCF-style: chr18-31074805-A-C. GRCh37 (hg19) VCF-style: chr18-28654771-A-C.
Other names: c.1337T>G, p.Met446Arg (NM_001406506.1, NM_001406507.1); c.1766T>G, p.Met589Arg (NM_004949.5); short protein forms M446R, M589R.
Identifiers: ClinVar variation 3074727 (VCV003074727.1), dbSNP rs201856473, ClinGen allele CA297690878.